The following is an entry in ClinVar:

ClinVar aggregate classification (germline): Conflicting classifications of pathogenicity. Review status: criteria provided, conflicting classifications (1 of 4 stars). 2 submissions from 2 submitters: Uncertain significance (1); Benign (1). Last evaluated 2025-05-08.

Allele frequency attached by ClinVar (database versions not stated): gnomAD 0.00002; TOPMed 0.00002.
gnomAD v4.1: 4 of 1,612,314 alleles (0.00025%); highest among the groups gnomAD compares: Non-Finnish European, 0.00034%; no homozygotes.

Submissions (2):

Women's Health and Genetics/Laboratory Corporation of America, LabCorp
Classification: Uncertain significance. Last evaluated: 2025-05-08. Review status: criteria provided, single submitter. Criteria: LabCorp Variant Classification Summary - May 2015. Collection method: clinical testing. Allele origin: germline.
Comment: Variant summary: FBXO11 c.1253A>G (p.His418Arg) results in a non-conservative amino acid change in the encoded protein sequence. Algorithms developed to predict the effect of missense changes on protein structure and function all suggest that this variant is likely to be disruptive. The variant allele was found at a frequency of 2.5e-06 in 1612314 control chromosomes. The available data on variant occurrences in the general population are insufficient to allow any conclusion about variant significance. To our knowledge, no occurrence of c.1253A>G in individuals affected with Intellectual Developmental Disorder With Dysmorphic Facies And Behavioral Abnormalities and no experimental evidence demonstrating its impact on protein function have been reported. ClinVar contains an entry for this variant (Variation ID: 1666482). Based on the evidence outlined above, the variant was classified as uncertain significance.

Labcorp Genetics (formerly Invitae), Labcorp
Classification: Benign. Last evaluated: 2024-09-27. Review status: criteria provided, single submitter. Criteria: Invitae Variant Classification Sherloc (09022015). Collection method: clinical testing. Allele origin: germline.

NM_001190274.2(FBXO11):c.1253A>G (p.His418Arg)

Gene: FBXO11 (F-box protein 11; minus strand). Cytogenetic location: 2p16.3.
Variant type: single nucleotide variant.
Coding change: c.1253A>G on transcript NM_001190274.2 (MANE Select); coding-DNA position 1253, A replaced by G.
Protein change: p.His418Arg; replaces histidine 418 with arginine.
Molecular consequence: missense variant.
Genome position (GRCh38, 1-based): chr2:47,832,579, T>C on the plus strand (A>G on the coding strand, the complement: FBXO11 is on the minus strand). VCF-style: chr2-47832579-T-C. GRCh37 (hg19) VCF-style: chr2-48059718-T-C.
Other names: c.1001A>G, p.His334Arg (NM_001374325.1, NM_025133.4); short protein forms H334R, H418R.
Identifiers: ClinVar variation 1666482 (VCV001666482.9), dbSNP rs889397926, ClinGen allele CA46742883.